The following is an entry in ClinVar:

ClinVar aggregate classification (germline): Uncertain significance (1 of 4 stars; one submission).

Conditions:
Cardiovascular phenotype. Identifiers: MedGen CN230736.

gnomAD v4.1: 1 of 1,613,444 alleles (0.000062%); highest among the groups gnomAD compares: Non-Finnish European, 0.000085%; no homozygotes.

Submission:

Ambry Genetics
Classification: Uncertain significance for Cardiovascular phenotype. Last evaluated: 2026-03-07. Review status: criteria provided, single submitter. Criteria: Ambry Variant Classification Scheme 2023. Collection method: clinical testing. Allele origin: germline.
Comment: The p.A741T variant (also known as c.2221G>A), located in coding exon 14 of the CBL gene, results from a G to A substitution at nucleotide position 2221. The alanine at codon 741 is replaced by threonine, an amino acid with similar properties. This amino acid position is conserved. In addition, this alteration is predicted to be tolerated by in silico analysis. Based on the available evidence, the clinical significance of this variant remains unclear.

NM_005188.4(CBL):c.2221G>A (p.Ala741Thr)

Gene: CBL (Cbl proto-oncogene; plus strand). Cytogenetic location: 11q23.3.
Variant type: single nucleotide variant.
Coding change: c.2221G>A on transcript NM_005188.4 (MANE Select); coding-DNA position 2221, G replaced by A.
Protein change: p.Ala741Thr; replaces alanine 741 with threonine.
Molecular consequence: missense variant.
Genome position (GRCh38, 1-based): chr11:119,297,451, G>A. VCF-style: chr11-119297451-G-A. GRCh37 (hg19) VCF-style: chr11-119168161-G-A.
Other names: short protein forms A741T.
Identifiers: ClinVar variation 4827369 (VCV004827369.1).